The following is an entry in ClinVar:

NM_001081.4(CUBN):c.9237-1G>C

Gene: CUBN (cubilin; minus strand). Cytogenetic location: 10p13.
Variant type: single nucleotide variant.
Coding change: c.9237-1G>C on transcript NM_001081.4 (MANE Select); the canonical splice acceptor site of the intron before coding-DNA position 9237, G replaced by C.
Molecular consequence: splice acceptor variant.
Genome position (GRCh38, 1-based): chr10:16,869,854, C>G on the plus strand (G>C on the coding strand, the complement: CUBN is on the minus strand). VCF-style: chr10-16869854-C-G. GRCh37 (hg19) VCF-style: chr10-16911853-C-G.
Identifiers: ClinVar variation 3008677 (VCV003008677.6), dbSNP rs1343581366, ClinGen allele CA376128666.

ClinVar aggregate classification (germline): Conflicting classifications of pathogenicity. Review status: criteria provided, conflicting classifications (1 of 4 stars). 3 submissions from 3 submitters: Likely pathogenic (2); Uncertain significance (1). Last evaluated 2025-06-12.

Conditions:
Proteinuria, chronic benign. Identifiers: MedGen C5394384, MONDO:0030042, OMIM 618884.
Imerslund-Grasbeck syndrome type 1 (IGS1). Also called: Megaloblastic anemia 1, Finnish type; MEGALOBLASTIC ANEMIA, 1; Imerslund-Gräsbeck syndrome 1. Identifiers: MedGen C4016819, MONDO:0100156, OMIM 261100.
Imerslund-Grasbeck syndrome. Also called: ENTEROCYTE COBALAMIN MALABSORPTION; ENTEROCYTE INTRINSIC FACTOR RECEPTOR, DEFECT OF; PERNICIOUS ANEMIA, JUVENILE, DUE TO SELECTIVE INTESTINAL MALABSORPTION OF VITAMIN B12, WITH PROTEINURIA; Megaloblastic anemia due to inborn errors of metabolism; Imerslund-Gräsbeck syndrome. Identifiers: Orphanet 35858, MedGen C4551825, MONDO:0009853.

Allele frequency attached by ClinVar (database versions not stated): gnomAD 0.00001; TOPMed 0.00002; gnomAD exomes below 0.00001.

Submissions (3):

Labcorp Genetics (formerly Invitae), Labcorp
Classification: Likely pathogenic for Imerslund-Grasbeck syndrome. Last evaluated: 2025-06-12. Review status: criteria provided, single submitter. Criteria: Invitae Variant Classification Sherloc (09022015). Collection method: clinical testing. Allele origin: germline.
Comment: This sequence change affects an acceptor splice site in intron 58 of the CUBN gene. It is expected to disrupt RNA splicing. Variants that disrupt the donor or acceptor splice site typically lead to a loss of protein function (PMID: 16199547), and loss-of-function variants in CUBN are known to be pathogenic (PMID: 15024727, 22929189, 25349199, 31613795, 34979989). This variant is present in population databases (no rsID available, gnomAD 0.0009%). This variant has not been reported in the literature in individuals affected with CUBN-related conditions. ClinVar contains an entry for this variant (Variation ID: 3008677). Algorithms developed to predict the effect of sequence changes on RNA splicing suggest that this variant may disrupt the consensus splice site. In summary, the currently available evidence indicates that the variant is pathogenic, but additional data are needed to prove that conclusively. Therefore, this variant has been classified as Likely Pathogenic.

Dasa
Classification: Uncertain significance. Last evaluated: 2025-04-24. Review status: criteria provided, single submitter. Criteria: DASA Assertion Criteria. Collection method: clinical testing. Allele origin: germline.
Comment: NM_001081.4(CUBN):c.9237-1G>C affects a canonical splice site and is predicted to disrupt normal RNA splicing. This variant has been observed in affected individuals with CUBN-related disorders. Also, this variant is rare in population databases. The currently available literature and clinical evidence are not sufficient to establish a definitive association between this variant and the reported condition. Therefore, this variant is classified as a variant of uncertain significance.

Fulgent Genetics
Classification: Likely pathogenic for Imerslund-Grasbeck syndrome type 1; Proteinuria, chronic benign. Last evaluated: 2024-01-03. Review status: criteria provided, single submitter. Criteria: ACMG Guidelines, 2015. Collection method: clinical testing. Allele origin: germline.

Literature cited by the submitters: PubMed 16199547 (cited by Labcorp Genetics (formerly Invitae), Labcorp); PubMed 15024727 (cited by Labcorp Genetics (formerly Invitae), Labcorp); PubMed 22929189 (cited by Labcorp Genetics (formerly Invitae), Labcorp); PubMed 25349199 (cited by Labcorp Genetics (formerly Invitae), Labcorp); PubMed 31613795 (cited by Labcorp Genetics (formerly Invitae), Labcorp); PubMed 34979989 (cited by Labcorp Genetics (formerly Invitae), Labcorp).